The following is an entry in ClinVar:

ClinVar aggregate classification (germline): Likely benign (0 of 4 stars; one submission).

Conditions:
SNTG1-related disorder. Also called: SNTG1-related condition.

Allele frequency attached by ClinVar (database versions not stated): gnomAD 0.00001; ExAC 0.00003; gnomAD exomes 0.00003; TOPMed 0.00004.
gnomAD v4.1: 46 of 1,613,264 alleles (0.0029%); highest among the groups gnomAD compares: South Asian, 0.0077%; no homozygotes.

Submission:

PreventionGenetics, part of Exact Sciences
Classification: Likely benign for SNTG1-related condition. Last evaluated: 2019-04-03. Review status: no assertion criteria provided. Collection method: clinical testing. Allele origin: germline.
Comment: This variant is classified as likely benign based on ACMG/AMP sequence variant interpretation guidelines (Richards et al. 2015 PMID: 25741868, with internal and published modifications).

NM_018967.5(SNTG1):c.186A>G (p.Arg62=)

Gene: SNTG1 (syntrophin gamma 1; plus strand). Cytogenetic location: 8q11.21.
Variant type: single nucleotide variant.
Coding change: c.186A>G on transcript NM_018967.5 (MANE Select); coding-DNA position 186, A replaced by G.
Protein change: p.Arg62=; no amino-acid change (arginine 62 retained).
Molecular consequence: synonymous variant. On other transcripts: non-coding transcript variant (5).
Genome position (GRCh38, 1-based): chr8:50,438,566, A>G. VCF-style: chr8-50438566-A-G. GRCh37 (hg19) VCF-style: chr8-51351126-A-G.
Other names: c.186A>G, p.Arg62= (NM_001287813.3, NM_001287814.3, NM_001321773.2 and 4 more transcripts).
Identifiers: ClinVar variation 3045278 (VCV003045278.2), dbSNP rs765215455, ClinGen allele CA4743861.